The following is an entry in ClinVar:

ClinVar aggregate classification (germline): Uncertain significance (1 of 4 stars; one submission).

gnomAD v4.1: 389 of 1,611,238 alleles (0.024%); highest among the groups gnomAD compares: Non-Finnish European, 0.032%; no homozygotes.

Submission:

Ambry Genetics
Classification: Uncertain significance. Last evaluated: 2025-10-21. Review status: criteria provided, single submitter. Criteria: Ambry Variant Classification Scheme 2023. Collection method: clinical testing. Allele origin: germline.
Comment: The c.715C>T (p.R239W) alteration is located in exon 5 (coding exon 5) of the ANGPTL4 gene. This alteration results from a C to T substitution at nucleotide position 715, causing the arginine (R) at amino acid position 239 to be replaced by a tryptophan (W). Based on data from gnomAD, the T allele has an overall frequency of 0.006% (15/274912) total alleles studied. The highest observed frequency was 0.014% (1/7008) of Other alleles. Based on insufficient or conflicting evidence, the clinical significance of this alteration remains unclear.

NM_139314.3(ANGPTL4):c.715C>T (p.Arg239Trp)

Gene: ANGPTL4 (angiopoietin like 4; plus strand). Cytogenetic location: 19p13.2.
Variant type: single nucleotide variant.
Coding change: c.715C>T on transcript NM_139314.3 (MANE Select); coding-DNA position 715, C replaced by T.
Protein change: p.Arg239Trp; replaces arginine 239 with tryptophan.
Molecular consequence: missense variant.
Genome position (GRCh38, 1-based): chr19:8,371,109, C>T. VCF-style: chr19-8371109-C-T. GRCh37 (hg19) VCF-style: chr19-8435993-C-T.
Other names: c.601C>T, p.Arg201Trp (NM_001039667.3); short protein forms R239W, R201W.
Identifiers: ClinVar variation 2468828 (VCV002468828.3), dbSNP rs761889493, ClinGen allele CA9156055.